The following is an entry in ClinVar:

NM_000744.7(CHRNA4):c.1847G>T (p.Gly616Val)

Gene: CHRNA4 (cholinergic receptor nicotinic alpha 4 subunit; minus strand). Cytogenetic location: 20q13.33.
Variant type: single nucleotide variant.
Coding change: c.1847G>T on transcript NM_000744.7 (MANE Select); coding-DNA position 1847, G replaced by T.
Protein change: p.Gly616Val; replaces glycine 616 with valine.
Molecular consequence: missense variant. On other transcripts: non-coding transcript variant (1).
Genome position (GRCh38, 1-based): chr20:63,346,775, C>A on the plus strand (G>T on the coding strand, the complement: CHRNA4 is on the minus strand). VCF-style: chr20-63346775-C-A. GRCh37 (hg19) VCF-style: chr20-61978127-C-A.
Other names: p.G616V:GGC>GTC; c.1319G>T, p.Gly440Val (NM_001256573.2); short protein forms G616V, G440V.
Identifiers: ClinVar variation 205054 (VCV000205054.8), dbSNP rs796052324, ClinGen allele CA313625.
Genomic context (GRCh38, chr20:63,346,775, plus strand): 5'-CCACGCAGGCTCCCGGTCCCTTCCTAGATCATGCCAGCCAGCCAGGGCGGCAGGAAGAGG[C>A]CCACCGTCCCCAGCAGGCAGACGATGATGAACATCCAGAGGAAGATGCGGTCGATGACCA-3'
Protein context (NP_000735.1, residues 606-626): FIIVCLLGTV[Gly616Val]LFLPPWLAGM

ClinVar aggregate classification (germline): Uncertain significance. Review status: criteria provided, multiple submitters, no conflicts (2 of 4 stars). 2 submissions from 2 submitters: Uncertain significance (2). Last evaluated 2025-03-12.

Conditions:
Familial sleep-related hypermotor epilepsy. Also called: Autosomal Dominant Sleep-Related Hypermotor (Hyperkinetic) Epilepsy. Identifiers: Orphanet 98784, MedGen C3696898, MONDO:0000030.

Submissions (2):

GeneDx
Classification: Uncertain significance. Last evaluated: 2025-03-12. Review status: criteria provided, single submitter. Criteria: GeneDx Variant Classification Process June 2021. Collection method: clinical testing. Allele origin: germline. Affected: yes.
Comment: Not observed at significant frequency in large population cohorts (gnomAD); In silico analysis supports that this missense variant has a deleterious effect on protein structure/function; Has not been previously published as pathogenic or benign to our knowledge

Labcorp Genetics (formerly Invitae), Labcorp
Classification: Uncertain significance. Last evaluated: 2022-11-01. Review status: criteria provided, single submitter. Criteria: Invitae Variant Classification Sherloc (09022015). Collection method: clinical testing. Allele origin: germline.
Comment: ClinVar contains an entry for this variant (Variation ID: 205054). This sequence change replaces glycine, which is neutral and non-polar, with valine, which is neutral and non-polar, at codon 616 of the CHRNA4 protein (p.Gly616Val). This variant is not present in population databases (gnomAD no frequency). This variant has not been reported in the literature in individuals affected with CHRNA4-related conditions. Advanced modeling of protein sequence and biophysical properties (such as structural, functional, and spatial information, amino acid conservation, physicochemical variation, residue mobility, and thermodynamic stability) performed at Invitae indicates that this missense variant is not expected to disrupt CHRNA4 protein function. In summary, the available evidence is currently insufficient to determine the role of this variant in disease. Therefore, it has been classified as a Variant of Uncertain Significance.